The following is an entry in ClinVar:

ClinVar aggregate classification (germline): Uncertain significance (1 of 4 stars; one submission).

Submission:

Women's Health and Genetics/Laboratory Corporation of America, LabCorp
Classification: Uncertain significance. Last evaluated: 2024-09-19. Review status: criteria provided, single submitter. Criteria: LabCorp Variant Classification Summary - May 2015. Collection method: clinical testing. Allele origin: germline.
Comment: Variant summary: UBB c.91C>T (p.Gln31X) results in a premature termination codon, predicted to cause a truncation of the encoded protein or absence of the protein due to nonsense mediated decay, however current evidence is not sufficient to establish loss of function as a mechanism for disease. The frequency data for this variant in gnomAD is considered unreliable, as metrics indicate poor data quality at this position. To our knowledge, no occurrence of c.91C>T in individuals affected with UBB-Related Disorders and no experimental evidence demonstrating its impact on protein function have been reported. No submitters have cited clinical-significance assessments for this variant to ClinVar. Based on the evidence outlined above, the variant was classified as uncertain significance.

NM_018955.4(UBB):c.91C>T (p.Gln31Ter)

Gene: UBB (ubiquitin B; plus strand). Cytogenetic location: 17p11.2.
Variant type: single nucleotide variant.
Coding change: c.91C>T on transcript NM_018955.4 (MANE Select); coding-DNA position 91, C replaced by T.
Protein change: p.Gln31Ter; replaces glutamine 31 with a stop codon.
Molecular consequence: nonsense.
Genome position (GRCh38, 1-based): chr17:16,381,998, C>T. VCF-style: chr17-16381998-C-T. GRCh37 (hg19) VCF-style: chr17-16285312-C-T.
Other names: c.91C>T, p.Gln31Ter (NM_001281716.2, NM_001281717.1, NM_001281718.1 and 2 more transcripts); short protein forms Q31*.
Identifiers: ClinVar variation 3375364 (VCV003375364.1).